The following is an entry in ClinVar:

NM_000441.2(SLC26A4):c.401G>T (p.Arg134Ile)

Gene: SLC26A4 (solute carrier family 26 member 4; plus strand). Cytogenetic location: 7q22.3.
Variant type: single nucleotide variant.
Coding change: c.401G>T on transcript NM_000441.2 (MANE Select); coding-DNA position 401, G replaced by T.
Protein change: p.Arg134Ile; replaces arginine 134 with isoleucine.
Molecular consequence: missense variant.
Genome position (GRCh38, 1-based): chr7:107,672,234, G>T. VCF-style: chr7-107672234-G-T. GRCh37 (hg19) VCF-style: chr7-107312679-G-T.
Other names: short protein forms R134I.
Identifiers: ClinVar variation 1331257 (VCV001331257.4), dbSNP rs1790889845, ClinGen allele CA368847263.
Genomic context (GRCh38, chr7:107,672,234, plus strand): 5'-GATATGGTCTCTACTCTGCTTTTTTCCCTATCCTGACATACTTTATCTTTGGAACATCAA[G>T]ACATATCTCAGTTGGTAATTATAAGTATATTTTACAATTATATTTGCTCATGTTTAAAGT-3'
Protein context (NP_000432.1, residues 124-144): ILTYFIFGTS[Arg134Ile]HISVGPFPVV

ClinVar aggregate classification (germline): Uncertain significance. Review status: criteria provided, multiple submitters, no conflicts (2 of 4 stars). 2 submissions from 2 submitters: Uncertain significance (2). Last evaluated 2025-07-03.

Allele frequency attached by ClinVar (database versions not stated): gnomAD exomes below 0.00001; TOPMed below 0.00001; gnomAD 0.00001.
gnomAD v4.1: 6 of 1,585,556 alleles (0.00038%); highest among the groups gnomAD compares: Non-Finnish European, 0.00043%; no homozygotes.

Submissions (2):

Women's Health and Genetics/Laboratory Corporation of America, LabCorp
Classification: Uncertain significance. Last evaluated: 2025-07-03. Review status: criteria provided, single submitter. Criteria: LabCorp Variant Classification Summary - May 2015. Collection method: clinical testing. Allele origin: germline.
Comment: Variant summary: SLC26A4 c.401G>T (p.Arg134Ile) results in a non-conservative amino acid change in the encoded protein sequence. Algorithms developed to predict the effect of missense changes on protein structure and function all suggest that this variant is likely to be disruptive. The variant was absent in 251354 control chromosomes. The available data on variant occurrences in the general population are insufficient to allow any conclusion about variant significance. To our knowledge, no occurrence of c.401G>T in individuals affected with Pendred Syndrome and no experimental evidence demonstrating its impact on protein function have been reported. ClinVar contains an entry for this variant (Variation ID: 1331257). Based on the evidence outlined above, the variant was classified as uncertain significance.

GeneDx
Classification: Uncertain significance. Last evaluated: 2021-06-29. Review status: criteria provided, single submitter. Criteria: GeneDx Variant Classification Process June 2021. Collection method: clinical testing. Allele origin: germline. Affected: yes.
Comment: Not observed at significant frequency in large population cohorts (Lek et al., 2016); In silico analysis supports that this missense variant has a deleterious effect on protein structure/function; Has not been previously published as pathogenic or benign to our knowledge; This variant is associated with the following publications: (PMID: Nonose2013[Thesis], 27535533)